The following is an entry in ClinVar:

ClinVar aggregate classification (germline): Likely benign. Review status: criteria provided, single submitter (1 of 4 stars). 2 submissions from 2 submitters: Likely benign (1). 1 of the submissions does not count toward it. Last evaluated 2024-11-01.

Conditions:
NFASC-related disorder. Also called: NFASC-related condition.

Allele frequency attached by ClinVar (database versions not stated): ExAC 0.00001; TOPMed 0.00007; gnomAD 0.00010.
gnomAD v4.1: 38 of 1,604,904 alleles (0.0024%); highest among the groups gnomAD compares: Middle Eastern, 0.099%; no homozygotes.

Submissions (2):

Blueprint Genetics
Classification: Likely benign. Last evaluated: 2024-11-01. Review status: criteria provided, single submitter. Criteria: ACMG Guidelines, 2015. Collection method: clinical testing. Allele origin: germline.

PreventionGenetics, part of Exact Sciences
Classification: Likely benign for NFASC-related condition. Last evaluated: 2019-06-19. Review status: no assertion criteria provided. Collection method: clinical testing. Allele origin: germline. Not counted in ClinVar's aggregate classification.
Comment: This variant is classified as likely benign based on ACMG/AMP sequence variant interpretation guidelines (Richards et al. 2015 PMID: 25741868, with internal and published modifications).

NM_001005388.3(NFASC):c.2470+2000A>C

Gene: NFASC (neurofascin; plus strand). Cytogenetic location: 1q32.1.
Variant type: single nucleotide variant.
Coding change: c.2470+2000A>C on transcript NM_001005388.3 (MANE Select); 2000 bases into the intron after coding-DNA position 2470, A replaced by C.
Molecular consequence: intron variant.
Genome position (GRCh38, 1-based): chr1:204,984,020, A>C. VCF-style: chr1-204984020-A-C. GRCh37 (hg19) VCF-style: chr1-204953148-A-C.
Other names: c.2471-7A>C (NM_001378329.1); c.2459-7A>C (NM_001160332.2, NM_015090.4); c.2458+2000A>C (NM_001365986.1); c.2504-7A>C (NM_001160331.2).
Identifiers: ClinVar variation 3043131 (VCV003043131.3), dbSNP rs146983685, ClinGen allele CA1350294.
Genomic context (GRCh38, chr1:204,984,020, plus strand): 5'-AGAACAAGTCAGAAGCAACTGTAGAGTCCTGCCTGCATAACCAGCTCTCTGTCCCAACAC[A>C]TTGCAGATCCCAGGGCTGCGCCCACTGAAGTTAAAGTCCGAGTCATGAACAGCACAGCCA-3'